The following is an entry in ClinVar:

NM_000152.5(GAA):c.1080C>G (p.Tyr360Ter)

Gene: GAA (alpha glucosidase; plus strand). Cytogenetic location: 17q25.3.
Variant type: single nucleotide variant.
Coding change: c.1080C>G on transcript NM_000152.5 (MANE Select); coding-DNA position 1080, C replaced by G.
Protein change: p.Tyr360Ter; replaces tyrosine 360 with a stop codon.
Molecular consequence: nonsense.
Genome position (GRCh38, 1-based): chr17:80,108,493, C>G. VCF-style: chr17-80108493-C-G. GRCh37 (hg19) VCF-style: chr17-78082292-C-G.
Other names: c.1080C>G, p.Tyr360Ter (NM_001079803.3, NM_001079804.3, NM_001406741.1 and 1 more transcripts); short protein forms Y360*.
Identifiers: ClinVar variation 4876329 (VCV004876329.1).

ClinVar aggregate classification (germline): Likely pathogenic (1 of 4 stars; one submission).

Conditions:
Glycogen storage disease, type II (IOPD). Also called: Pompe Disease; CARDIOMEGALIA GLYCOGENICA DIFFUSA; GLYCOGENOSIS, GENERALIZED, CARDIAC FORM; GSD II; POMPE DISEASE, INFANTILE-ONSET; GLYCOGEN STORAGE DISEASE II, INFANTILE-ONSET. Identifiers: Orphanet 365, MedGen C0017921, MONDO:0009290, OMIM 232300.

Submission:

Genomenon, Inc
Classification: Likely pathogenic for Glycogen storage disease, type II. Last evaluated: 2026-07-01. Review status: criteria provided, single submitter. Criteria: Genomenon Sequence Variant Interpretation Standards - Updated. Collection method: curation. Allele origin: germline. Affected: no.
Comment: GAA p.Tyr360Ter (c.1080C>G) is a nonsense variant that introduces a premature stop codon at amino acid position 360 and is predicted to result in a truncated or absent protein product. This variant has been reported in the published literature (PMID:34995642;33560568;31076647;21232767). It is absent or not present at a significant frequency in gnomAD. In conclusion, we classify GAA p.Tyr360Ter (c.1080C>G) as a likely pathogenic variant.

Literature cited by the submitters: PubMed 34995642; PubMed 33560568; PubMed 31076647; PubMed 21232767.